The following is an entry in ClinVar:

NR_003051.3(RMRP):n.-5delinsAACCTCTGTGAAGCTGAGA

Gene: RMRP (RNA component of mitochondrial RNA processing endoribonuclease; minus strand). Cytogenetic location: 9p13.3.
Variant type: Indel.
Genome position: GRCh38 VCF-style: chr9-35658023-C-TCTCAGCTTCACAGAGGTT. GRCh37 (hg19) VCF-style: chr9-35658020-C-TCTCAGCTTCACAGAGGTT.
Identifiers: ClinVar variation 4817196 (VCV004817196.1).
Genomic context (GRCh38, chr9:35,658,023, plus strand): 5'-GGGGAGGAACAGAGTCCTCAGTGTGTAGCCTAGGATACAGGCCTTCAGCACGAACCACGT[C>TCTCAGCTTCACAGAGGTT]CTCAGCTTCACAGAGTAGTATTTTATAGCCCTAAAGAAATTGTGTTTTATGATTAGGGTG-3'

ClinVar aggregate classification (germline): Likely pathogenic (1 of 4 stars; one submission).

Conditions:
Metaphyseal chondrodysplasia, McKusick type (CHH). Also called: Cartilage-hair hypoplasia; Cartilage-Hair Hypoplasia (CHH). Identifiers: Orphanet 175, MedGen C0220748, MONDO:0009595, OMIM 250250.

Submission:

Natera, Inc.
Classification: Likely pathogenic for Cartilage-hair hypoplasia. Last evaluated: 2024-06-05. Review status: criteria provided, single submitter. Criteria: Natera Variant Classification Schema (03/2026). Collection method: clinical testing. Allele origin: germline.
Comment: The n.-5delinsAACCTCTGTGAAGCTGAGA variant in RMRP is a delins affecting the RMRP promoter region between the TATA box and the transcription initiation site. Other duplications and insertions just upstream of the transcription initiation site have been reported in individuals affected with cartilage-hair hypoplasia (PMID: 11207361, 17937437). This variant is rare in the general population with a frequency below the threshold expected for the associated phenotype(s). Given the available evidence, this variant is classified as Likely pathogenic.

Literature cited by the submitters: PubMed 11207361; PubMed 17937437.